The following is an entry in ClinVar:

NM_001009944.3(PKD1):c.7175G>A (p.Arg2392His)

Gene: PKD1 (polycystin 1, transient receptor potential channel interacting; minus strand). Cytogenetic location: 16p13.3.
Variant type: single nucleotide variant.
Coding change: c.7175G>A on transcript NM_001009944.3 (MANE Select); coding-DNA position 7175, G replaced by A.
Protein change: p.Arg2392His; replaces arginine 2392 with histidine.
Molecular consequence: missense variant.
Genome position (GRCh38, 1-based): chr16:2,106,839, C>T on the plus strand (G>A on the coding strand, the complement: PKD1 is on the minus strand). VCF-style: chr16-2106839-C-T. GRCh37 (hg19) VCF-style: chr16-2156840-C-T.
Other names: c.7175G>A, p.Arg2392His (NM_000296.4); short protein forms R2392H.
Identifiers: ClinVar variation 2636756 (VCV002636756.1), dbSNP rs761828545, ClinGen allele CA7831266.

ClinVar aggregate classification (germline): Uncertain significance (1 of 4 stars; one submission).

Conditions:
PKD1-related disorder. Also called: PKD1-related condition.

Allele frequency attached by ClinVar (database versions not stated): gnomAD 0.00001; gnomAD exomes 0.00003; ExAC 0.00006.
gnomAD v4.1: 47 of 1,550,524 alleles (0.003%); highest among the groups gnomAD compares: Non-Finnish European, 0.0038%; 1 homozygote.

Submission:

PreventionGenetics, part of Exact Sciences
Classification: Uncertain significance for PKD1-related condition. Last evaluated: 2023-08-17. Review status: criteria provided, single submitter. Criteria: ACMG Guidelines, 2015. Collection method: clinical testing. Allele origin: germline.
Comment: The PKD1 c.7175G>A variant is predicted to result in the amino acid substitution p.Arg2392His. Of note, the p.Arg2392 residue is weakly conserved during evolution and at this codon position is a histidine (His) in mouse, rat and zebrafish. To our knowledge, this variant has not been reported in the literature. This variant is reported in 0.0069% of alleles in individuals of European (Non-Finnish) descent in gnomAD. At this time, the clinical significance of this variant is uncertain due to the absence of conclusive functional and genetic evidence.